The following is an entry in ClinVar:

ClinVar aggregate classification (germline): Likely benign (1 of 4 stars; one submission).

gnomAD v4.1: 4 of 1,614,130 alleles (0.00025%); highest among the groups gnomAD compares: South Asian, 0.0011%; no homozygotes.

Submission:

CeGaT Center for Human Genetics Tuebingen
Classification: Likely benign. Last evaluated: 2026-07-01. Review status: criteria provided, single submitter. Criteria: CeGaT Center For Human Genetics Tuebingen Variant Classification Criteria Version 2. Collection method: clinical testing. Allele origin: germline. Affected: yes. Observed: 1 variant allele.
Comment: SNX14: BP4, BP7

NM_153816.6(SNX14):c.1029A>G (p.Gln343=)

Gene: SNX14 (sorting nexin 14; minus strand). Cytogenetic location: 6q14.3.
Variant type: single nucleotide variant.
Coding change: c.1029A>G on transcript NM_153816.6 (MANE Select); coding-DNA position 1029, A replaced by G.
Protein change: p.Gln343=; no amino-acid change (glutamine 343 retained).
Molecular consequence: synonymous variant. On other transcripts: 5 prime UTR variant (7), non-coding transcript variant (6).
Genome position (GRCh38, 1-based): chr6:85,547,191, T>C on the plus strand (A>G on the coding strand, the complement: SNX14 is on the minus strand). VCF-style: chr6-85547191-T-C. GRCh37 (hg19) VCF-style: chr6-86256909-T-C.
Other names: c.1029A>G, p.Gln343= (NM_001297614.3, NM_001350540.2, NM_001350541.2); c.873A>G, p.Gln291= (NM_001304479.2); c.1092A>G, p.Gln364= (NM_001350532.2); c.1026A>G, p.Gln342= (NM_001350533.2, NM_001350534.2, NM_001350535.2); c.897A>G, p.Gln299= (NM_001350536.2, NM_020468.6); c.894A>G, p.Gln298= (NM_001350537.2); c.885A>G, p.Gln295= (NM_001350538.2); c.870A>G, p.Gln290= (NM_001350539.2); and 7 more.
Identifiers: ClinVar variation 5040251 (VCV005040251.1).